The following is an entry in ClinVar:

NM_014681.6(DHX34):c.2568G>A (p.Glu856=)

Gene: DHX34 (DExH-box helicase 34; plus strand). Cytogenetic location: 19q13.32.
Variant type: single nucleotide variant.
Coding change: c.2568G>A on transcript NM_014681.6 (MANE Select); coding-DNA position 2568, G replaced by A.
Protein change: p.Glu856=; no amino-acid change (glutamic acid 856 retained).
Molecular consequence: synonymous variant.
Genome position (GRCh38, 1-based): chr19:47,376,529, G>A. VCF-style: chr19-47376529-G-A. GRCh37 (hg19) VCF-style: chr19-47879786-G-A.
Identifiers: ClinVar variation 3045088 (VCV003045088.2), dbSNP rs373057199, ClinGen allele CA9538551.

ClinVar aggregate classification (germline): Benign (0 of 4 stars; one submission).

Conditions:
DHX34-related disorder. Also called: DHX34-related condition.

Allele frequency attached by ClinVar (database versions not stated): 1000 Genomes Project 0.00020; TOPMed 0.00026; 1000 Genomes Project 30x 0.00031; gnomAD 0.00032; ESP Exome Variant Server 0.00046; ExAC 0.00110.
gnomAD v4.1: 448 of 1,580,998 alleles (0.028%); highest among the groups gnomAD compares: Admixed American, 0.018%; 1 homozygote.

Submission:

PreventionGenetics, part of Exact Sciences
Classification: Benign for DHX34-related condition. Last evaluated: 2019-10-30. Review status: no assertion criteria provided. Collection method: clinical testing. Allele origin: germline.
Comment: This variant is classified as benign based on ACMG/AMP sequence variant interpretation guidelines (Richards et al. 2015 PMID: 25741868, with internal and published modifications).